The following is an entry in ClinVar:

ClinVar aggregate classification (germline): Uncertain significance (1 of 4 stars; one submission).

Conditions:
Malignant hyperthermia, susceptibility to, 1 (MHS1). Also called: Anesthesia related hyperthermia; Malignant hyperpyrexia; Fulminating hyperpyrexia; Pharmacogenic myopathy; RYR1-Related Malignant Hyperthermia Susceptibility; Malignant hyperthermia suceptibility 1. Identifiers: Orphanet 423, MedGen C2930980, MONDO:0007783, OMIM 145600.

Allele frequency attached by ClinVar (database versions not stated): gnomAD exomes below 0.00001.
gnomAD v4.1: 2 of 1,614,196 alleles (0.00012%); highest among the groups gnomAD compares: Non-Finnish European, 0.00017%; no homozygotes.

Submission:

All of Us Research Program, National Institutes of Health
Classification: Uncertain significance for Malignant hyperthermia, susceptibility to, 1. Last evaluated: 2023-08-08. Review status: criteria provided, single submitter. Criteria: ACMG Guidelines, 2015. Collection method: clinical testing. Allele origin: germline. Inheritance: Autosomal dominant inheritance. Observed: 1 variant allele, 1 heterozygote.
Comment: This missense variant replaces cysteine with tyrosine at codon 3067 of the RYR1 protein. Computational prediction is inconclusive regarding the impact of this variant on protein structure and function (internally defined REVEL score threshold 0.5 < inconclusive < 0.7, PMID: 27666373). To our knowledge, functional studies have not been reported for this variant. This variant has not been reported in individuals affected with RYR1-related disorders in the literature. This variant has not been identified in the general population by the Genome Aggregation Database (gnomAD). The available evidence is insufficient to determine the role of this variant in disease conclusively. Therefore, this variant is classified as a Variant of Uncertain Significance.

This study involves interpretation of variants in research participants for the purpose of population health screening. Participant phenotype was not available at the time of variant classification. Additional details can be found in publication PMID: 35346344, PMCID: PMC8962531

NM_000540.3(RYR1):c.9200G>A (p.Cys3067Tyr)

Gene: RYR1 (ryanodine receptor 1; plus strand). Cytogenetic location: 19q13.2.
Variant type: single nucleotide variant.
Coding change: c.9200G>A on transcript NM_000540.3 (MANE Select); coding-DNA position 9200, G replaced by A.
Protein change: p.Cys3067Tyr; replaces cysteine 3067 with tyrosine.
Molecular consequence: missense variant.
Genome position (GRCh38, 1-based): chr19:38,512,099, G>A. VCF-style: chr19-38512099-G-A. GRCh37 (hg19) VCF-style: chr19-39002739-G-A.
Other names: c.9200G>A, p.Cys3067Tyr (NM_001042723.2); short protein forms C3067Y.
Identifiers: ClinVar variation 3072550 (VCV003072550.1), dbSNP rs2514404118, ClinGen allele CA405685514.